The following is an entry in ClinVar:

NM_133497.4(KCNV2):c.1A>G (p.Met1Val)

Gene: KCNV2 (potassium voltage-gated channel modifier subfamily V member 2; plus strand). Cytogenetic location: 9p24.2.
Variant type: single nucleotide variant.
Coding change: c.1A>G on transcript NM_133497.4 (MANE Select); coding-DNA position 1, A replaced by G.
Protein change: p.Met1Val; changes the start codon (methionine 1).
Molecular consequence: missense variant, initiator codon variant.
Genome position (GRCh38, 1-based): chr9:2,717,740, A>G. VCF-style: chr9-2717740-A-G. GRCh37 (hg19) VCF-style: chr9-2717740-A-G.
Other names: short protein forms M1V.
Identifiers: ClinVar variation 1324610 (VCV001324610.6), dbSNP rs760755040, ClinGen allele CA4965282.

ClinVar aggregate classification (germline): Pathogenic/Likely pathogenic. Review status: criteria provided, multiple submitters, no conflicts (2 of 4 stars). 2 submissions from 2 submitters: Pathogenic (1); Likely pathogenic (1). Last evaluated 2025-09-05.

Conditions:
KCNV2-related disorder. Also called: KCNV2-related condition.
Cone dystrophy with supernormal rod response (CDSRR). Also called: CONE DYSTROPHY WITH SUPERNORMAL ROD RESPONSES. Identifiers: Orphanet 209932, MedGen C1835897, MONDO:0012475, OMIM 610356.

Allele frequency attached by ClinVar (database versions not stated): gnomAD 0.00001; gnomAD exomes 0.00001; TOPMed 0.00001; ExAC 0.00001.

Submissions (2):

PreventionGenetics, part of Exact Sciences
Classification: Pathogenic for KCNV2-related condition. Last evaluated: 2025-09-05. Review status: criteria provided, single submitter. Criteria: ACMG Guidelines, 2015. Collection method: clinical testing. Allele origin: germline.
Comment: The KCNV2 c.1A>G variant is predicted to disrupt the translation initiation site (Start Loss). This variant was reported, along with a second possible causative variant, in individuals with retinal disease (see, for example, supplementary data, Sheck et al. 2021. PubMed ID: 33749171; supplementary data, Lin et al. 2024. PubMed ID: 38219857). This variant is reported in 0.0033% of alleles in individuals of South Asian descent in gnomAD. This variant is interpreted as pathogenic.

Revvity Omics, Revvity
Classification: Likely pathogenic for Cone dystrophy with supernormal rod response. Last evaluated: 2019-01-14. Review status: criteria provided, single submitter. Criteria: ACMG Guidelines, 2015. Collection method: clinical testing. Allele origin: germline.